The following is an entry in ClinVar:

NM_019098.5(CNGB3):c.1566C>T (p.Val522=)

Gene: CNGB3 (cyclic nucleotide gated channel subunit beta 3; minus strand). Cytogenetic location: 8q21.3.
Variant type: single nucleotide variant.
Coding change: c.1566C>T on transcript NM_019098.5 (MANE Select); coding-DNA position 1566, C replaced by T.
Protein change: p.Val522=; no amino-acid change (valine 522 retained).
Molecular consequence: synonymous variant.
Genome position (GRCh38, 1-based): chr8:86,625,995, G>A on the plus strand (C>T on the coding strand, the complement: CNGB3 is on the minus strand). VCF-style: chr8-86625995-G-A. GRCh37 (hg19) VCF-style: chr8-87638223-G-A.
Identifiers: ClinVar variation 752889 (VCV000752889.14), dbSNP rs201787120, ClinGen allele CA4799981.

ClinVar aggregate classification (germline): Likely benign. Review status: criteria provided, multiple submitters, no conflicts (2 of 4 stars). 4 submissions from 4 submitters: Likely benign (3). 1 of the submissions does not count toward it. Last evaluated 2026-01-12.

Conditions:
CNGB3-related disorder. Also called: CNGB3-related condition; CNGB3-related disorders. Identifiers: MedGen CN239340.
Achromatopsia. Also called: Rod monochromatism. Identifiers: Orphanet 49382, MedGen C0152200, MONDO:0018852, HP:0011516.

Allele frequency attached by ClinVar (database versions not stated): gnomAD 0.00003 and 0.00005; ExAC 0.00004; gnomAD exomes 0.00004; TOPMed 0.00004; 1000 Genomes Project 30x 0.00016; 1000 Genomes Project 0.00020.
gnomAD v4.1: 24 of 1,613,376 alleles (0.0015%); highest among the groups gnomAD compares: East Asian, 0.027%; no homozygotes.

Submissions (4):

Labcorp Genetics (formerly Invitae), Labcorp
Classification: Likely benign. Last evaluated: 2026-01-12. Review status: criteria provided, single submitter. Criteria: Invitae Variant Classification Sherloc (09022015). Collection method: clinical testing. Allele origin: germline.

PreventionGenetics, part of Exact Sciences
Classification: Likely benign for CNGB3-related condition. Last evaluated: 2025-09-30. Review status: criteria provided, single submitter. Criteria: ACMG Guidelines, 2015. Collection method: clinical testing. Allele origin: germline.
Comment: This variant is classified as likely benign based on ACMG/AMP sequence variant interpretation guidelines (Richards et al. 2015 PMID: 25741868, with internal and published modifications).

Blueprint Genetics
Classification: Likely benign. Last evaluated: 2024-07-22. Review status: criteria provided, single submitter. Criteria: ACMG Guidelines, 2015. Collection method: clinical testing. Allele origin: germline.

Natera, Inc.
Classification: Likely benign for Achromatopsia. Last evaluated: 2020-03-13. Review status: no assertion criteria provided. Collection method: clinical testing. Allele origin: germline. Not counted in ClinVar's aggregate classification.